The following is an entry in ClinVar:

NM_181882.3(PRX):c.4059GGA[5] (p.Glu1360_Glu1361del)

Gene: PRX (periaxin; minus strand). Cytogenetic location: 19q13.2.
Variant type: Microsatellite.
Coding change: c.4059GGA[5] on transcript NM_181882.3 (MANE Select); five copies in a row of the 3-base unit GGA starting at c.4059; the reference has seven copies in a row; two copies, 6 bases deleted; also written c.4074_4079del.
Protein change: p.Glu1360_Glu1361del.
Molecular consequence: inframe deletion. On other transcripts: 3 prime UTR variant (1).
Genome position (GRCh38, 1-based): chr19:40,394,273-40,394,278, TCCTCC deleted on the plus strand (GGAGGA on the coding strand, the reverse complement: PRX is on the minus strand); deleting any 6 consecutive bases within chr19:40,394,273-40,394,295 gives the same sequence; the position shown is the placement nearest the transcript's 3' end. VCF-style (leftmost placement, unchanged base first): chr19-40394272-TTCCTCC-T. GRCh37 (hg19) VCF-style: chr19-40900179-TTCCTCC-T.
Other names: c.4074_4079del (NM_181882.3); c.*4279_*4284delGGAGGA (NM_020956.2); c.*4264GGA[5] (NM_020956.2); c.4074_4079delGGAGGA (NM_181882.2).
Identifiers: ClinVar variation 242184 (VCV000242184.15), dbSNP rs139624657, ClinGen allele CA9443709.

ClinVar aggregate classification (germline): Benign/Likely benign. Review status: criteria provided, multiple submitters, no conflicts (2 of 4 stars). 6 submissions from 6 submitters: Benign (4); Likely benign (2). Last evaluated 2026-01-19.

Conditions:
Charcot-Marie-Tooth disease. Also called: Charcot-Marie-Tooth Neuropathy; Charcot-Marie-Tooth Hereditary Neuropathy. Identifiers: Orphanet 166, MedGen C0007959, MONDO:0015626.
Charcot-Marie-Tooth disease type 4. Also called: Charcot-Marie-Tooth disease, type IV; Charcot-Marie-Tooth, Type 4. Identifiers: Orphanet 64749, MedGen C4082197, MONDO:0018995.

Submissions (6):

Labcorp Genetics (formerly Invitae), Labcorp
Classification: Benign for Charcot-Marie-Tooth disease type 4. Last evaluated: 2026-01-19. Review status: criteria provided, single submitter. Criteria: Invitae Variant Classification Sherloc (09022015). Collection method: clinical testing. Allele origin: germline.

Mayo Clinic Laboratories, Mayo Clinic
Classification: Benign. Last evaluated: 2025-08-27. Review status: criteria provided, single submitter. Criteria: ACMG Guidelines, 2015. Collection method: clinical testing. Allele origin: germline. Observed: 2 variant alleles.
Comment: BS1, BS2, BP3

Blueprint Genetics
Classification: Likely benign. Last evaluated: 2024-08-30. Review status: criteria provided, single submitter. Criteria: ACMG Guidelines, 2015. Collection method: clinical testing. Allele origin: germline.

Athena Diagnostics
Classification: Benign. Last evaluated: 2024-05-07. Review status: criteria provided, single submitter. Criteria: Athena Diagnostics Criteria. Collection method: clinical testing. Allele origin: unknown.

GeneDx
Classification: Benign. Last evaluated: 2016-03-10. Review status: criteria provided, single submitter. Criteria: GeneDx Variant Classification (06012015). Collection method: clinical testing. Allele origin: germline. Affected: yes.
Comment: This variant is considered likely benign or benign based on one or more of the following criteria: it is a conservative change, it occurs at a poorly conserved position in the protein, it is predicted to be benign by multiple in silico algorithms, and/or has population frequency not consistent with disease.

Molecular Genetics Laboratory, London Health Sciences Centre
Classification: Likely benign for Charcot-Marie-Tooth disease. Review status: criteria provided, single submitter. Criteria: ACMG Guidelines, 2015. Collection method: clinical testing. Allele origin: germline. Affected: yes.

Literature cited by the submitters: PubMed 25614874 (cited by Mayo Clinic Laboratories, Mayo Clinic and Athena Diagnostics).